The following is an entry in ClinVar:

ClinVar aggregate classification (germline): Uncertain significance (1 of 4 stars; one submission).

Conditions:
Alzheimer disease. Also called: Presenile and senile dementia; Alzheimer's disease. Identifiers: Orphanet 1020, MedGen C0002395, MeSH D000544, MONDO:0004975, HP:0002511.

Submission:

Labcorp Genetics (formerly Invitae), Labcorp
Classification: Uncertain significance for Alzheimer disease. Last evaluated: 2025-11-24. Review status: criteria provided, single submitter. Criteria: Invitae Variant Classification Sherloc (09022015). Collection method: clinical testing. Allele origin: germline.
Comment: This variant, c.831_839del, results in the deletion of 3 amino acid(s) of the APP protein (p.Thr278_Thr280del), but otherwise preserves the integrity of the reading frame. This variant is present in population databases (rs768084853, gnomAD 0.0009%). This variant has not been reported in the literature in individuals affected with APP-related conditions. Experimental studies and prediction algorithms are not available or were not evaluated, and the functional significance of this variant is currently unknown. In summary, the available evidence is currently insufficient to determine the role of this variant in disease. Therefore, it has been classified as a Variant of Uncertain Significance.

NM_000484.4(APP):c.819CAC[4] (p.Thr278_Thr280del)

Gene: APP (amyloid beta precursor protein; minus strand). Cytogenetic location: 21q21.3.
Variant type: Microsatellite.
Coding change: c.819CAC[4] on transcript NM_000484.4 (MANE Select); four copies in a row of the 3-base unit CAC starting at c.819; the reference has seven copies in a row; three copies, 9 bases deleted.
Protein change: p.Thr278_Thr280del.
Molecular consequence: inframe deletion.
Genome position (GRCh38, 1-based): chr21:26,021,866-26,021,874, GTGGTGGTG deleted on the plus strand (CACCACCAC on the coding strand, the reverse complement: APP is on the minus strand); deleting any 9 consecutive bases within chr21:26,021,866-26,021,887 gives the same sequence; the position shown is the placement nearest the transcript's 3' end. VCF-style (leftmost placement, unchanged base first): chr21-26021865-TGTGGTGGTG-T. GRCh37 (hg19) VCF-style: chr21-27394181-TGTGGTGGTG-T.
Other names: c.804CAC[4], p.Thr273_Thr275del (NM_001136016.3); c.651CAC[4], p.Thr222_Thr224del (NM_001136129.3, NM_001136130.3); c.714CAC[4], p.Thr243_Thr245del (NM_001136131.3); c.819CAC[4], p.Thr278_Thr280del (NM_001204301.2, NM_001204302.2, NM_001204303.2 and 3 more transcripts).
Identifiers: ClinVar variation 4748426 (VCV004748426.1).